The following is an entry in ClinVar:

ClinVar aggregate classification (germline): Uncertain significance (1 of 4 stars; one submission).

Conditions:
Familial thoracic aortic aneurysm and aortic dissection (TAAD). Also called: Thoracic aortic aneurysms and dissections. Identifiers: Orphanet 91387, MedGen C4707243, MONDO:0019625.

Submission:

Ambry Genetics
Classification: Uncertain significance for Familial thoracic aortic aneurysm and aortic dissection. Last evaluated: 2024-06-21. Review status: criteria provided, single submitter. Criteria: Ambry Variant Classification Scheme 2023. Collection method: clinical testing. Allele origin: germline.
Comment: The p.G177R variant (also known as c.529G>A), located in coding exon 7 of the COL5A2 gene, results from a G to A substitution at nucleotide position 529. The glycine at codon 177 is replaced by arginine, an amino acid with dissimilar properties. This amino acid position is highly conserved in available vertebrate species. In addition, this alteration is predicted to be deleterious by in silico analysis. Based on the available evidence, the clinical significance of this variant remains unclear.

NM_000393.5(COL5A2):c.529G>A (p.Gly177Arg)

Gene: COL5A2 (collagen type V alpha 2 chain; minus strand). Cytogenetic location: 2q32.2.
Variant type: single nucleotide variant.
Coding change: c.529G>A on transcript NM_000393.5 (MANE Select); coding-DNA position 529, G replaced by A.
Protein change: p.Gly177Arg; replaces glycine 177 with arginine.
Molecular consequence: missense variant.
Genome position (GRCh38, 1-based): chr2:189,092,348, C>T on the plus strand (G>A on the coding strand, the complement: COL5A2 is on the minus strand). VCF-style: chr2-189092348-C-T. GRCh37 (hg19) VCF-style: chr2-189957074-C-T.
Other names: short protein forms G177R.
Identifiers: ClinVar variation 3268766 (VCV003268766.1).